The following continues an entry in ClinVar:

NM_000053.4(ATP7B):c.98T>C (p.Met33Thr)

Gene: ATP7B. ClinVar aggregate classification (germline): Uncertain significance. Uncertain significance (17).

Submissions 13 to 20 of 20:

ARUP Laboratories, Molecular Genetics and Genomics, ARUP Laboratories
Classification: Uncertain significance for Wilson disease. Last evaluated: 2020-08-12. Review status: criteria provided, single submitter. Criteria: ARUP Molecular Germline Variant Investigation Process. Collection method: clinical testing. Allele origin: germline.
Comment: The ATP7B c.98T>C; p.Met33Thr variant (rs184868522), to our knowledge, is not reported in an individual affected with Wilson disease, but has been described in an unaffected individual (Squitti 2019). The variant is listed in the ClinVar database (Variation ID: 35736) and is reported in the general population with an overall allele frequency of 0.06% (180/280858 alleles) in the Genome Aggregation Database. The methionine at codon 33 is weakly conserved, and computational analyses (SIFT, PolyPhen-2) predict that this variant is tolerated. Due to limited information, the clinical significance of the p.Met33Thr variant is uncertain at this time. References: Squitti R et al. A case of a mild Wolfram Syndrome with concomitant ATP7B mutation. CellR4. 2019; 7: e2735.

Illumina Laboratory Services, Illumina
Classification: Uncertain significance for Wilson disease. Last evaluated: 2018-01-13. Review status: criteria provided, single submitter. Criteria: ICSL Variant Classification Criteria 13 December 2019. Collection method: clinical testing. Allele origin: germline.

Ambry Genetics
Classification: Uncertain significance for Inborn genetic diseases. Last evaluated: 2017-03-10. Review status: criteria provided, single submitter. Criteria: Ambry exome assertion method (8-5-2015). Collection method: clinical testing. Allele origin: germline. Affected: yes. Observed: 1 variant allele.

Eurofins Ntd Llc (ga)
Classification: Uncertain significance. Last evaluated: 2015-03-11. Review status: criteria provided, single submitter. Criteria: EGL Classification Definitions 2015. Collection method: clinical testing. Allele origin: germline. Observed: 1 variant allele, 1 heterozygote.

Breakthrough Genomics
Classification: Uncertain significance. Review status: criteria provided, single submitter. Criteria: ACMG Guidelines, 2015. Collection method: not provided. Allele origin: germline. Inheritance: Autosomal recessive inheritance. Affected: yes.

Natera, Inc.
Classification: Uncertain significance for Wilson disease. Last evaluated: 2020-04-15. Review status: no assertion criteria provided. Collection method: clinical testing. Allele origin: germline. Not counted in ClinVar's aggregate classification.

Diagnostic Laboratory, Department of Genetics, University Medical Center Groningen
Classification: Likely benign. Review status: no assertion criteria provided. Collection method: clinical testing. Allele origin: germline. Affected: yes. Study: VKGL Data-share Consensus. Not counted in ClinVar's aggregate classification.

Genome Diagnostics Laboratory, Amsterdam University Medical Center
Classification: Likely benign. Review status: no assertion criteria provided. Collection method: clinical testing. Allele origin: germline. Affected: yes. Study: VKGL Data-share Consensus. Not counted in ClinVar's aggregate classification.

Literature cited by the submitters: PubMed 36632541 (cited by 4 submitters); PubMed 23518715 (cited by Women's Health and Genetics/Laboratory Corporation of America, LabCorp and Labcorp Genetics (formerly Invitae), Labcorp); PubMed 24253677 (cited by 4 submitters); PubMed 35637795 (cited by Women's Health and Genetics/Laboratory Corporation of America, LabCorp and Mayo Clinic Laboratories, Mayo Clinic); PubMed 39846592 (cited by Women's Health and Genetics/Laboratory Corporation of America, LabCorp and Mayo Clinic Laboratories, Mayo Clinic); PubMed 33869661 (cited by Mayo Clinic Laboratories, Mayo Clinic); PubMed 34620762 (cited by Mayo Clinic Laboratories, Mayo Clinic).